The following is an entry in ClinVar:

NM_001267550.2(TTN):c.73792G>T (p.Glu24598Ter)

Genes: TTN-AS1 (TTN antisense RNA 1; plus strand), TTN (titin; minus strand). Cytogenetic location: 2q31.2.
Variant type: single nucleotide variant.
Coding change: c.73792G>T on transcript NM_001267550.2 (MANE Select); coding-DNA position 73792, G replaced by T.
Protein change: p.Glu24598Ter; replaces glutamic acid 24598 with a stop codon.
Molecular consequence: nonsense.
Genome position (GRCh38, 1-based): chr2:178,572,340, C>A on the plus strand (G>T on the coding strand, the complement: TTN is on the minus strand). VCF-style: chr2-178572340-C-A. GRCh37 (hg19) VCF-style: chr2-179437067-C-A.
Other names: c.68869G>T, p.Glu22957Ter (NM_001256850.1); c.46597G>T, p.Glu15533Ter (NM_003319.4); c.66088G>T, p.Glu22030Ter (NM_133378.4); c.46972G>T, p.Glu15658Ter (NM_133432.3); c.47173G>T, p.Glu15725Ter (NM_133437.4); short protein forms E15658*, E15725*, E15533*, E24598*, E22030*, E22957*.
Identifiers: ClinVar variation 856844 (VCV000856844.10), dbSNP rs1708526179, ClinGen allele CA349636833.

ClinVar aggregate classification (germline): Likely pathogenic (1 of 4 stars; one submission).

Conditions:
Dilated cardiomyopathy 1G (CMD1G). Identifiers: Orphanet 154, MedGen C1858763, MONDO:0011400, OMIM 604145.
Autosomal recessive limb-girdle muscular dystrophy type 2J (LGMDR10). Also called: Limb-girdle muscular dystrophy, type 2J; MUSCULAR DYSTROPHY, LIMB-GIRDLE, AUTOSOMAL RECESSIVE 10. Identifiers: Orphanet 140922, MedGen C1837342, MONDO:0012127, OMIM 608807.

Submission:

Labcorp Genetics (formerly Invitae), Labcorp
Classification: Likely pathogenic for Dilated cardiomyopathy 1G; Autosomal recessive limb-girdle muscular dystrophy type 2J. Last evaluated: 2019-03-15. Review status: criteria provided, single submitter. Criteria: Invitae Variant Classification Sherloc (09022015). Collection method: clinical testing. Allele origin: germline.
Comment: In summary, the currently available evidence indicates that the variant is pathogenic, but additional data are needed to prove that conclusively. Therefore, this variant has been classified as Likely Pathogenic. This variant is located in the A band of TTN (PMID: 25589632). Truncating variants in this region are significantly overrepresented in patients affected with dilated cardiomyopathy (PMID: 25589632). Truncating variants in this region have also been reported in individuals affected with autosomal recessive centronuclear myopathy (PMID: 23975875). This variant has not been reported in the literature in individuals with TTN-related conditions. This variant is not present in population databases (ExAC no frequency). This sequence change results in a premature translational stop signal in the TTN gene (p.Glu24598*). While this is not anticipated to result in nonsense mediated decay, it is expected to create a truncated TTN protein.

Literature cited by the submitters: PubMed 25589632; PubMed 23975875.